The following is an entry in ClinVar:

NM_000459.5(TEK):c.2917G>A (p.Gly973Ser)

Gene: TEK (TEK receptor tyrosine kinase; plus strand). Cytogenetic location: 9p21.2.
Variant type: single nucleotide variant.
Coding change: c.2917G>A on transcript NM_000459.5 (MANE Select); coding-DNA position 2917, G replaced by A.
Protein change: p.Gly973Ser; replaces glycine 973 with serine.
Molecular consequence: missense variant.
Genome position (GRCh38, 1-based): chr9:27,213,523, G>A. VCF-style: chr9-27213523-G-A. GRCh37 (hg19) VCF-style: chr9-27213521-G-A.
Other names: c.2788G>A, p.Gly930Ser (NM_001290077.2); c.2473G>A, p.Gly825Ser (NM_001290078.2); c.2914G>A, p.Gly972Ser (NM_001375475.1); c.2785G>A, p.Gly929Ser (NM_001375476.1); short protein forms G825S, G929S, G930S, G972S, G973S.
Identifiers: ClinVar variation 3372974 (VCV003372974.1).

ClinVar aggregate classification (germline): Uncertain significance (1 of 4 stars; one submission).

gnomAD v4.1: 1 of 1,614,032 alleles (0.000062%); highest among the groups gnomAD compares: Non-Finnish European, 0.000085%; no homozygotes.

Submission:

GeneDx
Classification: Uncertain significance. Last evaluated: 2024-04-23. Review status: criteria provided, single submitter. Criteria: GeneDx Variant Classification Process June 2021. Collection method: clinical testing. Allele origin: germline. Affected: yes.
Comment: Not observed at significant frequency in large population cohorts (gnomAD); In silico analysis supports that this missense variant has a deleterious effect on protein structure/function; Has not been previously published as pathogenic or benign to our knowledge; In silico analysis is inconclusive as to whether the variant alters gene splicing. In the absence of RNA/functional studies, the actual effect of this sequence change is unknown.